The following is an entry in ClinVar:

NM_173543.3(DZIP1L):c.1698G>A (p.Pro566=)

Gene: DZIP1L (DAZ interacting zinc finger protein 1 like; minus strand). Cytogenetic location: 3q22.3.
Variant type: single nucleotide variant.
Coding change: c.1698G>A on transcript NM_173543.3 (MANE Select); coding-DNA position 1698, G replaced by A.
Protein change: p.Pro566=; no amino-acid change (proline 566 retained).
Molecular consequence: synonymous variant.
Genome position (GRCh38, 1-based): chr3:138,068,285, C>T on the plus strand (G>A on the coding strand, the complement: DZIP1L is on the minus strand). VCF-style: chr3-138068285-C-T. GRCh37 (hg19) VCF-style: chr3-137787127-C-T.
Identifiers: ClinVar variation 1013231 (VCV001013231.43), dbSNP rs150762111, ClinGen allele CA2634832.
Genomic context (GRCh38, chr3:138,068,285, plus strand): 5'-CTGGGTCAGGCTGGAGCCATGGCTGCCATGGCTCTGACGAGTTGGTGGGGGTGGCTCTGC[C>T]GGTGTGGATGGCAAGGCCACCTGCAGGGTCCTGGTCTTTGGCTGGGCCTCTCTGGTGACC-3'
Protein context (NP_775814.2, residues 556-576): RTLQVALPST[Pro566=]AEPPPPTRQS

ClinVar aggregate classification (germline): Likely benign. Review status: criteria provided, multiple submitters, no conflicts (2 of 4 stars). 2 submissions from 2 submitters: Likely benign (2). Last evaluated 2026-01-26.

Allele frequency attached by ClinVar (database versions not stated): gnomAD exomes 0.00039 and 0.00073; gnomAD 0.00040 and 0.00041; TOPMed 0.00041; ExAC 0.00043; ESP Exome Variant Server 0.00046.
gnomAD v4.1: 1,092 of 1,596,464 alleles (0.068%); highest among the groups gnomAD compares: Non-Finnish European, 0.088%; no homozygotes.

Submissions (2):

Labcorp Genetics (formerly Invitae), Labcorp
Classification: Likely benign. Last evaluated: 2026-01-26. Review status: criteria provided, single submitter. Criteria: Invitae Variant Classification Sherloc (09022015). Collection method: clinical testing. Allele origin: germline.

CeGaT Center for Human Genetics Tuebingen
Classification: Likely benign. Last evaluated: 2025-08-01. Review status: criteria provided, single submitter. Criteria: CeGaT Center For Human Genetics Tuebingen Variant Classification Criteria Version 2. Collection method: clinical testing. Allele origin: germline. Affected: yes. Observed: 3 variant alleles.
Comment: DZIP1L: BP4, BP7